The following is an entry in ClinVar:

NM_006383.4(CIB2):c.193C>G (p.Leu65Val)

Gene: CIB2 (calcium and integrin binding family member 2; minus strand). Cytogenetic location: 15q25.1.
Variant type: single nucleotide variant.
Coding change: c.193C>G on transcript NM_006383.4 (MANE Select); coding-DNA position 193, C replaced by G.
Protein change: p.Leu65Val; replaces leucine 65 with valine.
Molecular consequence: missense variant. On other transcripts: intron variant (2).
Genome position (GRCh38, 1-based): chr15:78,111,170, G>C on the plus strand (C>G on the coding strand, the complement: CIB2 is on the minus strand). VCF-style: chr15-78111170-G-C. GRCh37 (hg19) VCF-style: chr15-78403512-G-C.
Other names: c.64C>G, p.Leu22Val (NM_001271888.2); c.52-1788C>G (NM_001271889.2); c.87-1661C>G (NM_001301224.2); short protein forms L65V, L22V.
Identifiers: ClinVar variation 1500178 (VCV001500178.6), dbSNP rs980306994, ClinGen allele CA273808277.
Genomic context (GRCh38, chr15:78,111,170, plus strand): 5'-CTGCTGGTCCAGAGGCACAGATCCCCTGCTCGCCAGCAAGAGGTCCTGCACATACCCGGA[G>C]CTCTGGCATCTGGATGATGAGGCTCATGGGCACGTGGACGATGGGGCTCTTCCTGTAGTC-3'
Protein context (NP_006374.1, residues 55-75): PMSLIIQMPE[Leu65Val]RENPFKERIV

ClinVar aggregate classification (germline): Uncertain significance (1 of 4 stars; one submission).

Allele frequency attached by ClinVar (database versions not stated): TOPMed 0.00001; gnomAD exomes below 0.00001; gnomAD 0.00001.
gnomAD v4.1: 7 of 1,613,636 alleles (0.00043%); highest among the groups gnomAD compares: Non-Finnish European, 0.00059%; no homozygotes.

Submission:

Labcorp Genetics (formerly Invitae), Labcorp
Classification: Uncertain significance. Last evaluated: 2022-06-27. Review status: criteria provided, single submitter. Criteria: Invitae Variant Classification Sherloc (09022015). Collection method: clinical testing. Allele origin: germline.
Comment: In summary, the available evidence is currently insufficient to determine the role of this variant in disease. Therefore, it has been classified as a Variant of Uncertain Significance. Algorithms developed to predict the effect of sequence changes on RNA splicing suggest that this variant may create or strengthen a splice site. This sequence change replaces leucine, which is neutral and non-polar, with valine, which is neutral and non-polar, at codon 65 of the CIB2 protein (p.Leu65Val). This variant is present in population databases (no rsID available, gnomAD 0.0008%). This variant has not been reported in the literature in individuals affected with CIB2-related conditions. Algorithms developed to predict the effect of missense changes on protein structure and function are either unavailable or do not agree on the potential impact of this missense change (SIFT: "Not Available"; PolyPhen-2: "Possibly Damaging"; Align-GVGD: "Not Available").